The following is an entry in ClinVar:

ClinVar aggregate classification (germline): Uncertain significance. Review status: criteria provided, multiple submitters, no conflicts (2 of 4 stars). 2 submissions from 2 submitters: Uncertain significance (2). Last evaluated 2025-06-29.

Conditions:
Inborn genetic diseases. Identifiers: MedGen C0950123, MeSH D030342.

Allele frequency attached by ClinVar (database versions not stated): gnomAD exomes below 0.00001; TOPMed 0.00001.
gnomAD v4.1: 6 of 1,612,678 alleles (0.00037%); highest among the groups gnomAD compares: Non-Finnish European, 0.00051%; no homozygotes.

Submissions (2):

Ambry Genetics
Classification: Uncertain significance for Inborn genetic diseases. Last evaluated: 2025-06-29. Review status: criteria provided, single submitter. Criteria: Ambry Variant Classification Scheme 2023. Collection method: clinical testing. Allele origin: germline.

Labcorp Genetics (formerly Invitae), Labcorp
Classification: Uncertain significance. Last evaluated: 2022-11-10. Review status: criteria provided, single submitter. Criteria: Invitae Variant Classification Sherloc (09022015). Collection method: clinical testing. Allele origin: germline.
Comment: In summary, the available evidence is currently insufficient to determine the role of this variant in disease. Therefore, it has been classified as a Variant of Uncertain Significance. This sequence change replaces glutamine, which is neutral and polar, with arginine, which is basic and polar, at codon 819 of the AP3D1 protein (p.Gln819Arg). This variant is not present in population databases (gnomAD no frequency). This variant has not been reported in the literature in individuals affected with AP3D1-related conditions. Algorithms developed to predict the effect of missense changes on protein structure and function (SIFT, PolyPhen-2, Align-GVGD) all suggest that this variant is likely to be tolerated.

NM_001261826.3(AP3D1):c.2456A>G (p.Gln819Arg)

Gene: AP3D1 (adaptor related protein complex 3 subunit delta 1; minus strand). Cytogenetic location: 19p13.3.
Variant type: single nucleotide variant.
Coding change: c.2456A>G on transcript NM_001261826.3 (MANE Select); coding-DNA position 2456, A replaced by G.
Protein change: p.Gln819Arg; replaces glutamine 819 with arginine.
Molecular consequence: missense variant.
Genome position (GRCh38, 1-based): chr19:2,114,270, T>C on the plus strand (A>G on the coding strand, the complement: AP3D1 is on the minus strand). VCF-style: chr19-2114270-T-C. GRCh37 (hg19) VCF-style: chr19-2114269-T-C.
Other names: c.2456A>G, p.Gln819Arg (NM_001374799.1, NM_003938.8); c.2456A>G (NM_003938.5); short protein forms Q819R.
Identifiers: ClinVar variation 2877317 (VCV002877317.4), dbSNP rs1243436130, ClinGen allele CA403209233.